The following is an entry in ClinVar:

NM_020975.6(RET):c.2664G>T (p.Met888Ile)

Gene: RET (ret proto-oncogene; plus strand). Cytogenetic location: 10q11.21.
Variant type: single nucleotide variant.
Coding change: c.2664G>T on transcript NM_020975.6 (MANE Select); coding-DNA position 2664, G replaced by T.
Protein change: p.Met888Ile; replaces methionine 888 with isoleucine.
Molecular consequence: missense variant.
Genome position (GRCh38, 1-based): chr10:43,120,137, G>T. VCF-style: chr10-43120137-G-T. GRCh37 (hg19) VCF-style: chr10-43615585-G-T.
Other names: c.2664G>T, p.Met888Ile (NM_000323.2, NM_001406743.1, NM_001406744.1 and 4 more transcripts); c.1902G>T, p.Met634Ile (NM_001355216.2); c.2535G>T, p.Met845Ile (NM_001406761.1, NM_001406762.1, NM_001406764.1); c.2529G>T, p.Met843Ile (NM_001406763.1, NM_001406765.1); c.2376G>T, p.Met792Ile (NM_001406766.1, NM_001406767.1, NM_001406770.1); c.2400G>T, p.Met800Ile (NM_001406768.1); c.2268G>T, p.Met756Ile (NM_001406769.1, NM_001406772.1); c.2226G>T, p.Met742Ile (NM_001406771.1, NM_001406773.1); and 10 more; short protein forms M544I, M634I, M646I, M792I, M546I, M549I, M493I, M558I.
Identifiers: ClinVar variation 1794485 (VCV001794485.2), dbSNP rs2132961468, ClinGen allele CA376557177.

ClinVar aggregate classification (germline): Uncertain significance (1 of 4 stars; one submission).

Conditions:
Hereditary cancer-predisposing syndrome. Also called: Tumor predisposition; Hereditary Cancer Syndrome; Neoplastic Syndromes, Hereditary; Hereditary neoplastic syndrome. Identifiers: Orphanet 140162, MedGen C0027672, MeSH D009386, MONDO:0015356.

Submission:

Ambry Genetics
Classification: Uncertain significance for Hereditary cancer-predisposing syndrome. Last evaluated: 2022-10-11. Review status: criteria provided, single submitter. Criteria: Ambry Variant Classification Scheme 2023. Collection method: clinical testing. Allele origin: germline.
Comment: The p.M888I variant (also known as c.2664G>T), located in coding exon 15 of the RET gene, results from a G to T substitution at nucleotide position 2664. The methionine at codon 888 is replaced by isoleucine, an amino acid with highly similar properties. This amino acid position is conserved. In addition, this alteration is predicted to be deleterious by in silico analysis. Since supporting evidence is limited at this time, the clinical significance of this alteration remains unclear.